The following is an entry in ClinVar:

ClinVar aggregate classification (germline): Uncertain significance (1 of 4 stars; one submission).

Submission:

Labcorp Genetics (formerly Invitae), Labcorp
Classification: Uncertain significance. Last evaluated: 2025-09-10. Review status: criteria provided, single submitter. Criteria: Invitae Variant Classification Sherloc (09022015). Collection method: clinical testing. Allele origin: germline.
Comment: This sequence change replaces threonine, which is neutral and polar, with isoleucine, which is neutral and non-polar, at codon 35 of the MCM2 protein (p.Thr35Ile). This variant is not present in population databases (gnomAD no frequency). This variant has not been reported in the literature in individuals affected with MCM2-related conditions. An algorithm developed to predict the effect of missense changes on protein structure and function outputs the following: PolyPhen-2: "Benign". The isoleucine amino acid residue is found in multiple mammalian species, which suggests that this missense change does not adversely affect protein function. In summary, the available evidence is currently insufficient to determine the role of this variant in disease. Therefore, it has been classified as a Variant of Uncertain Significance.

NM_004526.4(MCM2):c.104C>T (p.Thr35Ile)

Gene: MCM2 (minichromosome maintenance complex component 2; plus strand). Cytogenetic location: 3q21.3.
Variant type: single nucleotide variant.
Coding change: c.104C>T on transcript NM_004526.4 (MANE Select); coding-DNA position 104, C replaced by T.
Protein change: p.Thr35Ile; replaces threonine 35 with isoleucine.
Molecular consequence: missense variant. On other transcripts: non-coding transcript variant (1).
Genome position (GRCh38, 1-based): chr3:127,599,415, C>T. VCF-style: chr3-127599415-C-T. GRCh37 (hg19) VCF-style: chr3-127318258-C-T.
Other names: short protein forms T35I.
Identifiers: ClinVar variation 4702598 (VCV004702598.1).